The following is an entry in ClinVar:

NM_001105206.3(LAMA4):c.4822-192A>G

Gene: LAMA4 (laminin subunit alpha 4; minus strand). Cytogenetic location: 6q21.
Variant type: single nucleotide variant.
Coding change: c.4822-192A>G on transcript NM_001105206.3 (MANE Select); 192 bases into the intron before coding-DNA position 4822, A replaced by G.
Molecular consequence: intron variant.
Genome position (GRCh38, 1-based): chr6:112,118,090, T>C on the plus strand (A>G on the coding strand, the complement: LAMA4 is on the minus strand). VCF-style: chr6-112118090-T-C. GRCh37 (hg19) VCF-style: chr6-112439293-T-C.
Other names: c.4801-192A>G (NM_002290.5, NM_001105207.3).
Identifiers: ClinVar variation 675765 (VCV000675765.1), dbSNP rs78923096, ClinGen allele CA144881791.
Genomic context (GRCh38, chr6:112,118,090, plus strand): 5'-GATCAGTACTTTCCTGGATAGTTGCTTTCTAACTGGTTGTTTGAAGCTGGAATTTTGTAT[T>C]TGATAATGTCAACCTGTAGTAATTAAGCTATGGACATTTTTATGTTACACTTTGACACAA-3'

ClinVar aggregate classification (germline): Likely benign (1 of 4 stars; one submission).

Allele frequency attached by ClinVar (database versions not stated): gnomAD 0.01072 and 0.01157; TOPMed 0.01242; 1000 Genomes Project 0.01258; 1000 Genomes Project 30x 0.01312.
gnomAD v4.1: 1,619 of 152,342 alleles (1.1%); highest among the groups gnomAD compares: African/African-American, 3.4%; 27 homozygotes.

Submission:

GeneDx
Classification: Likely benign. Last evaluated: 2018-06-19. Review status: criteria provided, single submitter. Criteria: GeneDx Variant Classification (06012015). Collection method: clinical testing. Allele origin: germline. Affected: yes.
Comment: This variant is considered likely benign or benign based on one or more of the following criteria: it is a conservative change, it occurs at a poorly conserved position in the protein, it is predicted to be benign by multiple in silico algorithms, and/or has population frequency not consistent with disease.